The following is an entry in ClinVar:

NM_006950.3(SYN1):c.1954G>A (p.Ala652Thr)

Gene: SYN1 (synapsin I; minus strand). Cytogenetic location: Xp11.3.
Variant type: single nucleotide variant.
Coding change: c.1954G>A on transcript NM_006950.3 (MANE Select); coding-DNA position 1954, G replaced by A.
Protein change: p.Ala652Thr; replaces alanine 652 with threonine.
Molecular consequence: missense variant.
Genome position (GRCh38, 1-based): chrX:47,574,030, C>T on the plus strand (G>A on the coding strand, the complement: SYN1 is on the minus strand). VCF-style: chrX-47574030-C-T. GRCh37 (hg19) VCF-style: chrX-47433429-C-T.
Other names: c.1954G>A, p.Ala652Thr (NM_133499.2); short protein forms A652T.
Identifiers: ClinVar variation 4681080 (VCV004681080.1).

ClinVar aggregate classification (germline): Uncertain significance (1 of 4 stars; one submission).

Submission:

GeneDx
Classification: Uncertain significance. Last evaluated: 2025-07-03. Review status: criteria provided, single submitter. Criteria: GeneDx Variant Classification Process June 2021. Collection method: clinical testing. Allele origin: germline. Affected: yes.
Comment: Not observed at significant frequency in large population cohorts (gnomAD); In silico analysis suggests that this missense variant does not alter protein structure/function; Has not been previously published as pathogenic or benign to our knowledge